The following is an entry in ClinVar:

ClinVar aggregate classification (germline): Uncertain significance. Review status: criteria provided, multiple submitters, no conflicts (2 of 4 stars). 2 submissions from 2 submitters: Uncertain significance (2). Last evaluated 2025-09-13.

Conditions:
Inborn genetic diseases. Identifiers: MedGen C0950123, MeSH D030342.

gnomAD v4.1: 1 of 1,613,812 alleles (0.000062%); highest among the groups gnomAD compares: Non-Finnish European, 0.000085%; no homozygotes.

Submissions (2):

Labcorp Genetics (formerly Invitae), Labcorp
Classification: Uncertain significance. Last evaluated: 2025-09-13. Review status: criteria provided, single submitter. Criteria: Invitae Variant Classification Sherloc (09022015). Collection method: clinical testing. Allele origin: germline.
Comment: This sequence change replaces glutamine, which is neutral and polar, with histidine, which is basic and polar, at codon 16 of the CACNA1D protein (p.Gln16His). This variant is not present in population databases (gnomAD no frequency). This variant has not been reported in the literature in individuals affected with CACNA1D-related conditions. An algorithm developed to predict the effect of missense changes on protein structure and function outputs the following: PolyPhen-2: "Possibly Damaging". The histidine amino acid residue is found in multiple mammalian species, which suggests that this missense change does not adversely affect protein function. In summary, the available evidence is currently insufficient to determine the role of this variant in disease. Therefore, it has been classified as a Variant of Uncertain Significance.

Ambry Genetics
Classification: Uncertain significance for Inborn genetic diseases. Last evaluated: 2025-08-30. Review status: criteria provided, single submitter. Criteria: Ambry Variant Classification Scheme 2023. Collection method: clinical testing. Allele origin: germline.

NM_001128840.3(CACNA1D):c.48G>C (p.Gln16His)

Gene: CACNA1D (calcium voltage-gated channel subunit alpha1 D; plus strand). Cytogenetic location: 3p21.1.
Variant type: single nucleotide variant.
Coding change: c.48G>C on transcript NM_001128840.3 (MANE Select); coding-DNA position 48, G replaced by C.
Protein change: p.Gln16His; replaces glutamine 16 with histidine.
Molecular consequence: missense variant.
Genome position (GRCh38, 1-based): chr3:53,495,214, G>C. VCF-style: chr3-53495214-G-C. GRCh37 (hg19) VCF-style: chr3-53529241-G-C.
Other names: c.48G>C, p.Gln16His (NM_000720.4, NM_001128839.3); short protein forms Q16H.
Identifiers: ClinVar variation 4217800 (VCV004217800.2).